The following is an entry in ClinVar:

ClinVar aggregate classification (germline): Likely benign. Review status: criteria provided, multiple submitters, no conflicts (2 of 4 stars). 3 submissions from 3 submitters: Likely benign (2). 1 of the submissions does not count toward it. Last evaluated 2025-07-06.

Conditions:
CREBBP-related disorder. Also called: CREBBP-related condition; CREBBP-related disorders.
Rubinstein-Taybi syndrome (RSTS). Identifiers: Orphanet 783, MedGen C0035934, MONDO:0019188.

Allele frequency attached by ClinVar (database versions not stated): ExAC 0.00001; gnomAD 0.00001; TOPMed 0.00002; gnomAD exomes 0.00003.
gnomAD v4.1: 45 of 1,614,064 alleles (0.0028%); highest among the groups gnomAD compares: Non-Finnish European, 0.0037%; no homozygotes.

Submissions (3):

Labcorp Genetics (formerly Invitae), Labcorp
Classification: Likely benign for Rubinstein-Taybi syndrome. Last evaluated: 2025-07-06. Review status: criteria provided, single submitter. Criteria: Invitae Variant Classification Sherloc (09022015). Collection method: clinical testing. Allele origin: germline.

Blueprint Genetics
Classification: Likely benign. Last evaluated: 2023-09-19. Review status: criteria provided, single submitter. Criteria: ACMG Guidelines, 2015. Collection method: clinical testing. Allele origin: germline.

PreventionGenetics, part of Exact Sciences
Classification: Likely benign for CREBBP-related condition. Last evaluated: 2021-08-17. Review status: no assertion criteria provided. Collection method: clinical testing. Allele origin: germline. Not counted in ClinVar's aggregate classification.
Comment: This variant is classified as likely benign based on ACMG/AMP sequence variant interpretation guidelines (Richards et al. 2015 PMID: 25741868, with internal and published modifications).

NM_004380.3(CREBBP):c.2934G>T (p.Val978=)

Gene: CREBBP (CREB binding lysine acetyltransferase; minus strand). Cytogenetic location: 16p13.3.
Variant type: single nucleotide variant.
Coding change: c.2934G>T on transcript NM_004380.3 (MANE Select); coding-DNA position 2934, G replaced by T.
Protein change: p.Val978=; no amino-acid change (valine 978 retained).
Molecular consequence: synonymous variant.
Genome position (GRCh38, 1-based): chr16:3,769,300, C>A on the plus strand (G>T on the coding strand, the complement: CREBBP is on the minus strand). VCF-style: chr16-3769300-C-A. GRCh37 (hg19) VCF-style: chr16-3819301-C-A.
Other names: c.2820G>T, p.Val940= (NM_001079846.1); c.2934G>T (NM_004380.2).
Identifiers: ClinVar variation 2083852 (VCV002083852.6), dbSNP rs769164313, ClinGen allele CA7869986.